The following is an entry in ClinVar:

NM_178865.5(SERINC2):c.364C>T (p.Arg122Trp)

Gene: SERINC2 (serine incorporator 2; plus strand). Cytogenetic location: 1p35.2.
Variant type: single nucleotide variant.
Coding change: c.364C>T on transcript NM_178865.5 (MANE Select); coding-DNA position 364, C replaced by T.
Protein change: p.Arg122Trp; replaces arginine 122 with tryptophan.
Molecular consequence: missense variant.
Genome position (GRCh38, 1-based): chr1:31,424,845, C>T. VCF-style: chr1-31424845-C-T. GRCh37 (hg19) VCF-style: chr1-31897692-C-T.
Other names: c.376C>T, p.Arg126Trp (NM_001199037.2, NM_018565.4); c.391C>T, p.Arg131Trp (NM_001199038.2); c.199C>T, p.Arg67Trp (NM_001199039.2); short protein forms R122W, R126W, R131W, R67W.
Identifiers: ClinVar variation 2638601 (VCV002638601.24), dbSNP rs183001614, ClinGen allele CA730784.

ClinVar aggregate classification (germline): Likely benign (1 of 4 stars; one submission).

Allele frequency attached by ClinVar (database versions not stated): 1000 Genomes Project 30x 0.00141; 1000 Genomes Project 0.00160; ESP Exome Variant Server 0.00593.
gnomAD v4.1: 9,551 of 1,611,598 alleles (0.59%); highest among the groups gnomAD compares: Non-Finnish European, 0.75%; 38 homozygotes.

Submission:

CeGaT Center for Human Genetics Tuebingen
Classification: Likely benign. Last evaluated: 2022-07-01. Review status: criteria provided, single submitter. Criteria: CeGaT Center For Human Genetics Tuebingen Variant Classification Criteria Version 2. Collection method: clinical testing. Allele origin: germline. Affected: yes. Observed: 1 variant allele.
Comment: SERINC2: BP4